The following is an entry in ClinVar:

ClinVar aggregate classification (germline): Uncertain significance (1 of 4 stars; one submission).

Conditions:
Sulfite oxidase deficiency due to molybdenum cofactor deficiency type A. Also called: Molybdenum cofactor deficiency, complementation group A; Molybdenum Cofactor Deficiency A. Identifiers: Orphanet 308386, Orphanet 833, MedGen C1854988, MONDO:0009643, OMIM 252150.

Allele frequency attached by ClinVar (database versions not stated): gnomAD exomes below 0.00001 and 0.00001; ExAC 0.00001; TOPMed 0.00001.
gnomAD v4.1: 2 of 1,613,760 alleles (0.00012%); highest among the groups gnomAD compares: Admixed American, 0.0017%; no homozygotes.

Submission:

Labcorp Genetics (formerly Invitae), Labcorp
Classification: Uncertain significance for Sulfite oxidase deficiency due to molybdenum cofactor deficiency type A. Last evaluated: 2021-09-02. Review status: criteria provided, single submitter. Criteria: Invitae Variant Classification Sherloc (09022015). Collection method: clinical testing. Allele origin: germline.
Comment: This sequence change replaces serine with phenylalanine at codon 337 of the MOCS1 protein (p.Ser337Phe). The serine residue is highly conserved and there is a large physicochemical difference between serine and phenylalanine. This variant is present in population databases (rs774245261, ExAC 0.009%). This variant has not been reported in the literature in individuals affected with MOCS1-related conditions. Algorithms developed to predict the effect of missense changes on protein structure and function (SIFT, PolyPhen-2, Align-GVGD) all suggest that this variant is likely to be disruptive. In summary, the available evidence is currently insufficient to determine the role of this variant in disease. Therefore, it has been classified as a Variant of Uncertain Significance.

NM_001358530.2(MOCS1):c.1010C>T (p.Ser337Phe)

Gene: MOCS1 (molybdenum cofactor synthesis 1; minus strand). Cytogenetic location: 6p21.2.
Variant type: single nucleotide variant.
Coding change: c.1010C>T on transcript NM_001358530.2 (MANE Select); coding-DNA position 1010, C replaced by T.
Protein change: p.Ser337Phe; replaces serine 337 with phenylalanine.
Molecular consequence: missense variant. On other transcripts: non-coding transcript variant (1).
Genome position (GRCh38, 1-based): chr6:39,909,927, G>A on the plus strand (C>T on the coding strand, the complement: MOCS1 is on the minus strand). VCF-style: chr6-39909927-G-A. GRCh37 (hg19) VCF-style: chr6-39877671-G-A.
Other names: c.1010C>T, p.Ser337Phe (NM_001075098.4, NM_001358529.2, NM_005943.6); c.749C>T, p.Ser250Phe (NM_001358531.2, NM_001358533.2, NM_001358534.2); short protein forms S337F, S250F.
Identifiers: ClinVar variation 1447360 (VCV001447360.5), dbSNP rs774245261, ClinGen allele CA3796076.
Genomic context (GRCh38, chr6:39,909,927, plus strand): 5'-GCCCCAATGATTCTCAGCAGCTCCTGCTCAGAGGCCCCAGCTCGCAGGTGATCCCGCAGG[G>A]ATACCTCAGAGTTTCCAAAGAGGCAGACCTACATGTGGGTGAGGACAATATGCCTTCCTT-3'
Protein context (NP_001345459.1, residues 327-347): KVCLFGNSEV[Ser337Phe]LRDHLRAGAS